The following is an entry in ClinVar:

ClinVar aggregate classification (germline): Uncertain significance. Review status: criteria provided, single submitter (1 of 4 stars). 2 submissions from 2 submitters: Uncertain significance (1). 1 of the submissions does not count toward it. Last evaluated 2023-09-20.

Conditions:
Tuberous sclerosis syndrome (TSC). Also called: Tuberous Sclerosis Complex; Tuberous sclerosis. Identifiers: Orphanet 805, MedGen C0041341, MONDO:0001734.
Tuberous sclerosis 2 (TSC2). Identifiers: Orphanet 805, MedGen C1860707, MONDO:0013199, OMIM 613254.

Submissions (2):

3billion
Classification: Uncertain significance for Tuberous sclerosis 2. Last evaluated: 2023-09-20. Review status: criteria provided, single submitter. Criteria: ACMG Guidelines, 2015. Collection method: clinical testing. Allele origin: germline. Affected: yes.
Comment: The variant is not observed in the gnomAD v2.1.1 dataset. Predicted Consequence/Location: Missense variant In silico tool predictions suggest damaging effect of the variant on gene or gene product [REVEL: 0.89 (>=0.6, sensitivity 0.68 and specificity 0.92); 3Cnet: 0.77 (>=0.6, sensitivity 0.72 and precision 0.9)]. Same nucleotide change resulting in same amino acid change has been previously reported to be associated with TSC2 related disorder (PMID: 9463313). However, the evidence of pathogenicity is insufficient at this time. Therefore, this variant is classified as VUS according to the recommendation of ACMG/AMP guideline.

Tuberous sclerosis database (TSC2)
No classification provided. Condition: TSC. Review status: no classification provided. Criteria: Tuberous Sclerosis Database Assertion Criteria 2015. Collection method: curation. Allele origin: germline. Affected: yes. Not counted in ClinVar's aggregate classification.

Literature cited by the submitters: PubMed 9463313 (cited by 3billion).

NM_000548.5(TSC2):c.875T>C (p.Leu292Pro)

Gene: TSC2 (TSC complex subunit 2; plus strand). Cytogenetic location: 16p13.3.
Variant type: single nucleotide variant.
Coding change: c.875T>C on transcript NM_000548.5 (MANE Select); coding-DNA position 875, T replaced by C.
Protein change: p.Leu292Pro; replaces leucine 292 with proline.
Molecular consequence: missense variant.
Genome position (GRCh38, 1-based): chr16:2,058,773, T>C. VCF-style: chr16-2058773-T-C. GRCh37 (hg19) VCF-style: chr16-2108774-T-C.
Other names: c.875T>C, p.Leu292Pro (NM_001077183.3, NM_001114382.3, NM_001363528.2 and 3 more transcripts); c.764T>C, p.Leu255Pro (NM_001318827.2); c.728T>C, p.Leu243Pro (NM_001318829.2); c.275T>C, p.Leu92Pro (NM_001318831.2); c.908T>C, p.Leu303Pro (NM_001318832.2); short protein forms L292P, L255P, L303P, L243P, L92P.
Identifiers: ClinVar variation 49933 (VCV000049933.3), dbSNP rs45517138, ClinGen allele CA023069.